The following is an entry in ClinVar:

NM_000213.5(ITGB4):c.309_310delinsAG (p.Gln104Glu)

Gene: ITGB4 (integrin subunit beta 4; plus strand). Cytogenetic location: 17q25.1.
Variant type: Indel.
Coding change: c.309_310delinsAG on transcript NM_000213.5 (MANE Select); coding-DNA positions 309 to 310, CC replaced by AG.
Protein change: p.Gln104Glu; replaces glutamine 104 with glutamic acid.
Molecular consequence: missense variant.
Genome position (GRCh38, 1-based): chr17:75,727,695-75,727,696, CC replaced by AG. VCF-style: chr17-75727695-CC-AG. GRCh37 (hg19) VCF-style: chr17-73723776-CC-AG.
Other names: c.309_310delCCinsAG, p.Gln104Glu (NM_001005619.2); c.309_310delinsAG, p.Gln104Glu (NM_001005731.3, NM_001321123.2); short protein forms Q104E.
Identifiers: ClinVar variation 591416 (VCV000591416.4), dbSNP rs1568343603, ClinGen allele CA891863035.

ClinVar aggregate classification (germline): Uncertain significance. Review status: criteria provided, multiple submitters, no conflicts (2 of 4 stars). 3 submissions from 3 submitters: Uncertain significance (2). 1 of the submissions does not count toward it. Last evaluated 2024-04-19.

Conditions:
Junctional epidermolysis bullosa with pyloric atresia. Also called: ITGB4-Related Epidermolysis Bullosa with Pyloric Atresia; ITGA6-Related Epidermolysis Bullosa with Pyloric Atresia; EPIDERMOLYSIS BULLOSA, JUNCTIONAL 5B, WITH PYLORIC ATRESIA; Junctional Epidermolysis Bullosa- Pyloric Atresia Syndrome; Epidermolysis bullosa, junctional, with pyloric atresia and aplasia cutis congenita; Epidermolysis bullosa junctionalis with pyloric atresia. Identifiers: Orphanet 79403, MedGen C5676875, MONDO:0009183, OMIM 226730.
Epidermolysis bullosa, junctional 5A, intermediate. Also called: EPIDERMOLYSIS BULLOSA, JUNCTIONAL 5A, GENERALIZED INTERMEDIATE; EPIDERMOLYSIS BULLOSA, JUNCTIONAL 5A, NON-HERLITZ TYPE. Identifiers: MedGen C5676956, MONDO:0030768, OMIM 619816.

Submissions (3):

Fulgent Genetics
Classification: Uncertain significance for Junctional epidermolysis bullosa with pyloric atresia; Epidermolysis bullosa, junctional 5A, intermediate. Last evaluated: 2024-04-19. Review status: criteria provided, single submitter. Criteria: ACMG Guidelines, 2015. Collection method: clinical testing. Allele origin: germline.

Labcorp Genetics (formerly Invitae), Labcorp
Classification: Uncertain significance. Last evaluated: 2022-07-06. Review status: criteria provided, single submitter. Criteria: Invitae Variant Classification Sherloc (09022015). Collection method: clinical testing. Allele origin: germline.
Comment: This sequence change replaces glutamine, which is neutral and polar, with glutamic acid, which is acidic and polar, at codon 104 of the ITGB4 protein (p.Gln104Glu). Information on the frequency of this variant in the gnomAD database is not available, as this variant may be reported differently in the database. This variant has not been reported in the literature in individuals affected with ITGB4-related conditions. ClinVar contains an entry for this variant (Variation ID: 591416). Experimental studies and prediction algorithms are not available or were not evaluated, and the functional significance of this variant is currently unknown. In summary, the available evidence is currently insufficient to determine the role of this variant in disease. Therefore, it has been classified as a Variant of Uncertain Significance.

Gharavi Laboratory, Columbia University
Classification: Uncertain significance. Last evaluated: 2018-09-16. Review status: no assertion criteria provided. Criteria: ACMG Guidelines, 2015. Collection method: research. Allele origin: germline. Affected: yes. Not counted in ClinVar's aggregate classification.